The following is an entry in ClinVar:

NM_152564.5(VPS13B):c.6988G>T (p.Val2330Leu)

Gene: VPS13B (vacuolar protein sorting 13 homolog B; plus strand). Cytogenetic location: 8q22.2.
Variant type: single nucleotide variant.
Coding change: c.6988G>T on transcript NM_152564.5 (MANE Select); coding-DNA position 6988, G replaced by T.
Protein change: p.Val2330Leu; replaces valine 2330 with leucine.
Molecular consequence: missense variant.
Genome position (GRCh38, 1-based): chr8:99,720,985, G>T. VCF-style: chr8-99720985-G-T. GRCh37 (hg19) VCF-style: chr8-100733213-G-T.
Other names: c.7063G>T, p.Val2355Leu (NM_017890.5); short protein forms V2330L, V2355L.
Identifiers: ClinVar variation 2150814 (VCV002150814.4), dbSNP rs1225625819, ClinGen allele CA371868562.

ClinVar aggregate classification (germline): Uncertain significance (1 of 4 stars; one submission).

Conditions:
Cohen syndrome (COH1). Also called: PEPPER SYNDROME; Cutis verticis gyrata, retinitis pigmentosa, and sensorineural deafness. Identifiers: Orphanet 193, MedGen C0265223, MONDO:0008999, OMIM 216550.

gnomAD v4.1: 1 of 1,613,956 alleles (0.000062%); highest among the groups gnomAD compares: Non-Finnish European, 0.000085%; no homozygotes.

Submission:

Labcorp Genetics (formerly Invitae), Labcorp
Classification: Uncertain significance for Cohen syndrome. Last evaluated: 2022-08-16. Review status: criteria provided, single submitter. Criteria: Invitae Variant Classification Sherloc (09022015). Collection method: clinical testing. Allele origin: germline.
Comment: In summary, the available evidence is currently insufficient to determine the role of this variant in disease. Therefore, it has been classified as a Variant of Uncertain Significance. Algorithms developed to predict the effect of missense changes on protein structure and function are either unavailable or do not agree on the potential impact of this missense change (SIFT: "Not Available"; PolyPhen-2: "Benign"; Align-GVGD: "Not Available"). This variant has not been reported in the literature in individuals affected with VPS13B-related conditions. This variant is not present in population databases (gnomAD no frequency). This sequence change replaces valine, which is neutral and non-polar, with leucine, which is neutral and non-polar, at codon 2355 of the VPS13B protein (p.Val2355Leu).